The following is an entry in ClinVar:

NM_001197104.2(KMT2A):c.472dup (p.Arg158fs)

Gene: KMT2A (lysine methyltransferase 2A; plus strand). Cytogenetic location: 11q23.3.
Variant type: Duplication.
Coding change: c.472dup on transcript NM_001197104.2 (MANE Select); coding-DNA position 472, one base duplicated (A; older notation c.472dupA).
Protein change: p.Arg158fs; shifts the reading frame from arginine 158.
Molecular consequence: frameshift variant.
Genome position (GRCh38, 1-based): chr11:118,468,814, A duplicated. VCF-style (leftmost placement, unchanged base first): chr11-118468813-C-CA. GRCh37 (hg19) VCF-style: chr11-118339528-C-CA.
Other names: c.571dup, p.Arg191fs (NM_001412597.1); c.472dup, p.Arg158fs (NM_005933.4); short protein forms R158fs, R191fs.
Identifiers: ClinVar variation 3383965 (VCV003383965.2).

ClinVar aggregate classification (germline): Pathogenic (1 of 4 stars; one submission).

Conditions:
Wiedemann-Steiner syndrome (WDSTS). Also called: Growth deficiency and mental retardation with facial dysmorphism. Identifiers: Orphanet 319182, MedGen C1854630, MONDO:0011518, OMIM 605130.

Submission:

Molecular Genetics Laboratory, Motol Hospital
Classification: Pathogenic for Wiedemann-Steiner syndrome. Last evaluated: 2024-12-06. Review status: criteria provided, single submitter. Criteria: ACMG Guidelines, 2015. Collection method: clinical testing. Allele origin: de novo. Affected: yes. Observed: 1 variant allele.
Comment: The variant was confirmed to be of a de novo origin. Rare truncating variants affecting the KMT2A gene are documented as a molecular cause of "Wiedemann-Steiner syndrome" (WDSTS, OMIM:605130) (PMID:25810209;22795537;31044088). To conclude, the variant is classified as pathogenic (ACMG PVS1, PM2, PS2).

Literature cited by the submitters: PubMed 25810209; PubMed 22795537; PubMed 31044088.